The following is an entry in ClinVar:

ClinVar aggregate classification (germline): Uncertain significance (1 of 4 stars; one submission).

Conditions:
Duchenne muscular dystrophy (DMD). Also called: MUSCULAR DYSTROPHY, PSEUDOHYPERTROPHIC PROGRESSIVE, DUCHENNE TYPE; Duchenne Muscular Dystrophy (DMD). Identifiers: Orphanet 98896, MedGen C0013264, MONDO:0010679, OMIM 310200.

Submission:

Labcorp Genetics (formerly Invitae), Labcorp
Classification: Uncertain significance for Duchenne muscular dystrophy. Last evaluated: 2020-03-19. Review status: criteria provided, single submitter. Criteria: Invitae Variant Classification Sherloc (09022015). Collection method: clinical testing. Allele origin: germline.
Comment: This sequence change replaces histidine with asparagine at codon 2339 of the DMD protein (p.His2339Asn). The histidine residue is moderately conserved and there is a small physicochemical difference between histidine and asparagine. In summary, the available evidence is currently insufficient to determine the role of this variant in disease. Therefore, it has been classified as a Variant of Uncertain Significance. Algorithms developed to predict the effect of missense changes on protein structure and function (SIFT, PolyPhen-2, Align-GVGD) all suggest that this variant is likely to be tolerated, but these predictions have not been confirmed by published functional studies and their clinical significance is uncertain. This variant has not been reported in the literature in individuals with DMD-related conditions. This variant is not present in population databases (ExAC no frequency).

NM_004006.3(DMD):c.7015C>A (p.His2339Asn)

Gene: DMD (dystrophin; minus strand). Cytogenetic location: Xp21.1.
Variant type: single nucleotide variant.
Coding change: c.7015C>A on transcript NM_004006.3 (MANE Select); coding-DNA position 7015, C replaced by A.
Protein change: p.His2339Asn; replaces histidine 2339 with asparagine.
Molecular consequence: missense variant. On other transcripts: 5 prime UTR variant (5).
Genome position (GRCh38, 1-based): chrX:31,875,271, G>T on the plus strand (C>A on the coding strand, the complement: DMD is on the minus strand). VCF-style: chrX-31875271-G-T. GRCh37 (hg19) VCF-style: chrX-31893388-G-T.
Other names: c.6991C>A, p.His2331Asn (NM_000109.4); c.7003C>A, p.His2335Asn (NM_004009.3); c.6646C>A, p.His2216Asn (NM_004010.3); c.2992C>A, p.His998Asn (NM_004011.4); c.2983C>A, p.His995Asn (NM_004012.4); c.-366C>A (NM_004013.3, NM_004020.4, NM_004021.3 and 2 more transcripts); short protein forms H2216N, H2331N, H2335N, H2339N, H995N, H998N.
Identifiers: ClinVar variation 1007599 (VCV001007599.9), dbSNP rs2093951396, ClinGen allele CA412660042.
Genomic context (GRCh38, chrX:31,875,271, plus strand): 5'-GGTTTGGTTGGTTATAAATTTCCAACTGATTCCTAATAGGAGATAACCACAGCAGCAGAT[G>T]ATTTAACTGCTCTTCAAGGTCTTCAAGCTTTTTTTCAAGCTGCCCAAGGTCTTTTATTTG-3'
Protein context (NP_003997.2, residues 2329-2349): KLEDLEEQLN[His2339Asn]LLLWLSPIRN